The following is an entry in ClinVar:

ClinVar aggregate classification (germline): Uncertain significance (1 of 4 stars; one submission).

Conditions:
Congenital contractural arachnodactyly (CCA). Also called: BEALS SYNDROME; Arthrogryposis, distal, type 9; Beals-Hecht syndrome. Identifiers: Orphanet 115, MedGen C0220668, MONDO:0007363, OMIM 121050.

Submission:

Labcorp Genetics (formerly Invitae), Labcorp
Classification: Uncertain significance for Congenital contractural arachnodactyly. Last evaluated: 2025-04-07. Review status: criteria provided, single submitter. Criteria: Invitae Variant Classification Sherloc (09022015). Collection method: clinical testing. Allele origin: germline.
Comment: This sequence change replaces proline, which is neutral and non-polar, with histidine, which is basic and polar, at codon 720 of the FBN2 protein (p.Pro720His). This variant is not present in population databases (gnomAD no frequency). This variant has not been reported in the literature in individuals affected with FBN2-related conditions. Invitae Evidence Modeling of protein sequence and biophysical properties (such as structural, functional, and spatial information, amino acid conservation, physicochemical variation, residue mobility, and thermodynamic stability) indicates that this missense variant is not expected to disrupt FBN2 protein function with a negative predictive value of 80%. In summary, the available evidence is currently insufficient to determine the role of this variant in disease. Therefore, it has been classified as a Variant of Uncertain Significance.

NM_001999.4(FBN2):c.2159C>A (p.Pro720His)

Gene: FBN2 (fibrillin 2; minus strand). Cytogenetic location: 5q23.3.
Variant type: single nucleotide variant.
Coding change: c.2159C>A on transcript NM_001999.4 (MANE Select); coding-DNA position 2159, C replaced by A.
Protein change: p.Pro720His; replaces proline 720 with histidine.
Molecular consequence: missense variant.
Genome position (GRCh38, 1-based): chr5:128,369,271, G>T on the plus strand (C>A on the coding strand, the complement: FBN2 is on the minus strand). VCF-style: chr5-128369271-G-T. GRCh37 (hg19) VCF-style: chr5-127704964-G-T.
Other names: short protein forms P720H.
Identifiers: ClinVar variation 4809762 (VCV004809762.1).